The following is an entry in ClinVar:

NM_000090.4(COL3A1):c.2195G>A (p.Gly732Glu)

Gene: COL3A1 (collagen type III alpha 1 chain; plus strand). Cytogenetic location: 2q32.2.
Variant type: single nucleotide variant.
Coding change: c.2195G>A on transcript NM_000090.4 (MANE Select); coding-DNA position 2195, G replaced by A.
Protein change: p.Gly732Glu; replaces glycine 732 with glutamic acid.
Molecular consequence: missense variant.
Genome position (GRCh38, 1-based): chr2:188,999,543, G>A. VCF-style: chr2-188999543-G-A. GRCh37 (hg19) VCF-style: chr2-189864269-G-A.
Other names: short protein forms G732E.
Identifiers: ClinVar variation 3375728 (VCV003375728.3).

ClinVar aggregate classification (germline): Pathogenic/Likely pathogenic. Review status: criteria provided, multiple submitters, no conflicts (2 of 4 stars). 2 submissions from 2 submitters: Pathogenic (1); Likely pathogenic (1). Last evaluated 2026-05-21.

Conditions:
COL3A1-related disorder. Also called: COL3A1-related condition.

Submissions (2):

GeneDx
Classification: Pathogenic. Last evaluated: 2026-05-21. Review status: criteria provided, single submitter. Criteria: GeneDx Variant Classification Process June 2021. Collection method: clinical testing. Allele origin: germline.
Comment: Not observed at significant frequency in large population cohorts (gnomAD); In silico analysis supports that this missense variant has a deleterious effect on protein structure/function; Occurs in the triple helical domain and replaces the glycine in the canonical Gly-X-Y repeat; missense substitution of a canonical glycine residue is expected to disrupt normal protein folding and function, and this is an established mechanism of disease (HGMD); This variant is associated with the following publications: (PMID: 20518783)

Blueprint Genetics
Classification: Likely pathogenic for COL3A1-related disorders. Last evaluated: 2022-03-09. Review status: criteria provided, single submitter. Criteria: ACMG Guidelines, 2015. Collection method: clinical testing. Allele origin: germline. Affected: yes. Observed: 1 variant allele.